The following is an entry in ClinVar:

NM_004380.3(CREBBP):c.4465C>T (p.Pro1489Ser)

Gene: CREBBP (CREB binding lysine acetyltransferase; minus strand). Cytogenetic location: 16p13.3.
Variant type: single nucleotide variant.
Coding change: c.4465C>T on transcript NM_004380.3 (MANE Select); coding-DNA position 4465, C replaced by T.
Protein change: p.Pro1489Ser; replaces proline 1489 with serine.
Molecular consequence: missense variant.
Genome position (GRCh38, 1-based): chr16:3,736,745, G>A on the plus strand (C>T on the coding strand, the complement: CREBBP is on the minus strand). VCF-style: chr16-3736745-G-A. GRCh37 (hg19) VCF-style: chr16-3786746-G-A.
Other names: c.4351C>T, p.Pro1451Ser (NM_001079846.1); short protein forms P1451S, P1489S.
Identifiers: ClinVar variation 4986497 (VCV004986497.1).

ClinVar aggregate classification (germline): Uncertain significance (1 of 4 stars; one submission).

Conditions:
CREBBP-related disorder. Also called: CREBBP-related disorders; CREBBP-related condition.

gnomAD v4.1: 2 of 1,614,172 alleles (0.00012%); highest among the groups gnomAD compares: Non-Finnish European, 0.00017%; no homozygotes.

Submission:

PreventionGenetics, part of Exact Sciences
Classification: Uncertain significance for CREBBP-related condition. Last evaluated: 2026-08-05. Review status: criteria provided, single submitter. Criteria: ACMG Guidelines, 2015. Collection method: clinical testing. Allele origin: germline.
Comment: The CREBBP c.4465C>T variant is predicted to result in the amino acid substitution p.Pro1489Ser. To our knowledge, this variant has not been reported in the literature or in a large population database (gnomAD), indicating this variant is rare. At this time, the clinical significance of this variant is uncertain due to the absence of conclusive functional and genetic evidence.